The following is an entry in ClinVar:

ClinVar aggregate classification (germline): Uncertain significance (1 of 4 stars; one submission).

Allele frequency attached by ClinVar (database versions not stated): ExAC 0.00001; gnomAD exomes 0.00001; TOPMed 0.00002.
gnomAD v4.1: 34 of 1,613,816 alleles (0.0021%); highest among the groups gnomAD compares: Non-Finnish European, 0.0029%; no homozygotes.

Submission:

Labcorp Genetics (formerly Invitae), Labcorp
Classification: Uncertain significance. Last evaluated: 2024-02-23. Review status: criteria provided, single submitter. Criteria: Invitae Variant Classification Sherloc (09022015). Collection method: clinical testing. Allele origin: germline.
Comment: This sequence change replaces serine, which is neutral and polar, with cysteine, which is neutral and slightly polar, at codon 2639 of the VCAN protein (p.Ser2639Cys). This variant is present in population databases (rs774772193, gnomAD 0.002%). This variant has not been reported in the literature in individuals affected with VCAN-related conditions. ClinVar contains an entry for this variant (Variation ID: 837790). An algorithm developed to predict the effect of missense changes on protein structure and function (PolyPhen-2) suggests that this variant is likely to be disruptive. In summary, the available evidence is currently insufficient to determine the role of this variant in disease. Therefore, it has been classified as a Variant of Uncertain Significance.

NM_004385.5(VCAN):c.7916C>G (p.Ser2639Cys)

Genes: VCAN (versican; plus strand), VCAN-AS1 (VCAN antisense RNA 1; minus strand). Cytogenetic location: 5q14.3.
Variant type: single nucleotide variant.
Coding change: c.7916C>G on transcript NM_004385.5 (MANE Select); coding-DNA position 7916, C replaced by G.
Protein change: p.Ser2639Cys; replaces serine 2639 with cysteine.
Molecular consequence: missense variant. On other transcripts: intron variant (2).
Genome position (GRCh38, 1-based): chr5:83,540,919, C>G. VCF-style: chr5-83540919-C-G. GRCh37 (hg19) VCF-style: chr5-82836738-C-G.
Other names: c.4955C>G, p.Ser1652Cys (NM_001164097.2); c.4004-4618C>G (NM_001164098.2); c.1043-4618C>G (NM_001126336.3); short protein forms S1652C, S2639C.
Identifiers: ClinVar variation 837790 (VCV000837790.10), dbSNP rs774772193, ClinGen allele CA3333713.